The following is an entry in ClinVar:

ClinVar aggregate classification (germline): Uncertain significance (1 of 4 stars; one submission).

Conditions:
Acromesomelic dysplasia 1, Maroteaux type (AMD1). Also called: ST. HELENA DYSPLASIA; ACROMESOMELIC DYSPLASIA 1. Identifiers: Orphanet 40, MedGen C1864356, MONDO:0011275, OMIM 602875.
Tall stature-scoliosis-macrodactyly of the great toes syndrome. Also called: Epiphyseal chondrodysplasia, miura type. Identifiers: Orphanet 329191, MedGen C4014690, MONDO:0014401, OMIM 615923.

Submission:

Labcorp Genetics (formerly Invitae), Labcorp
Classification: Uncertain significance for Tall stature-scoliosis-macrodactyly of the great toes syndrome; Acromesomelic dysplasia 1, Maroteaux type. Last evaluated: 2023-11-09. Review status: criteria provided, single submitter. Criteria: Invitae Variant Classification Sherloc (09022015). Collection method: clinical testing. Allele origin: germline.
Comment: This sequence change replaces threonine, which is neutral and polar, with proline, which is neutral and non-polar, at codon 390 of the NPR2 protein (p.Thr390Pro). This variant is not present in population databases (gnomAD no frequency). This variant has not been reported in the literature in individuals affected with NPR2-related conditions. Advanced modeling of protein sequence and biophysical properties (such as structural, functional, and spatial information, amino acid conservation, physicochemical variation, residue mobility, and thermodynamic stability) performed at Invitae indicates that this missense variant is not expected to disrupt NPR2 protein function with a negative predictive value of 80%. In summary, the available evidence is currently insufficient to determine the role of this variant in disease. Therefore, it has been classified as a Variant of Uncertain Significance.

NM_003995.4(NPR2):c.1168A>C (p.Thr390Pro)

Gene: NPR2 (natriuretic peptide receptor 2; plus strand). Cytogenetic location: 9p13.3.
Variant type: single nucleotide variant.
Coding change: c.1168A>C on transcript NM_003995.4 (MANE Select); coding-DNA position 1168, A replaced by C.
Protein change: p.Thr390Pro; replaces threonine 390 with proline.
Molecular consequence: missense variant.
Genome position (GRCh38, 1-based): chr9:35,800,433, A>C. VCF-style: chr9-35800433-A-C. GRCh37 (hg19) VCF-style: chr9-35800430-A-C.
Other names: c.1168A>C, p.Thr390Pro (NM_001378923.1); short protein forms T390P.
Identifiers: ClinVar variation 2952590 (VCV002952590.3), dbSNP rs931006759, ClinGen allele CA373370633.